The following is an entry in ClinVar:

ClinVar aggregate classification (germline): Uncertain significance (1 of 4 stars; one submission).

Submission:

Labcorp Genetics (formerly Invitae), Labcorp
Classification: Uncertain significance. Last evaluated: 2023-03-16. Review status: criteria provided, single submitter. Criteria: Invitae Variant Classification Sherloc (09022015). Collection method: clinical testing. Allele origin: germline.
Comment: An algorithm developed to predict the effect of missense changes on protein structure and function (PolyPhen-2) suggests that this variant is likely to be disruptive. In summary, the available evidence is currently insufficient to determine the role of this variant in disease. Therefore, it has been classified as a Variant of Uncertain Significance. This variant has not been reported in the literature in individuals affected with ZNF469-related conditions. This variant is not present in population databases (gnomAD no frequency). This sequence change replaces proline, which is neutral and non-polar, with glutamine, which is neutral and polar, at codon 3428 of the ZNF469 protein (p.Pro3428Gln).

NM_001367624.2(ZNF469):c.10367C>A (p.Pro3456Gln)

Gene: ZNF469 (zinc finger protein 469; plus strand). Cytogenetic location: 16q24.2.
Variant type: single nucleotide variant.
Coding change: c.10367C>A on transcript NM_001367624.2 (MANE Select); coding-DNA position 10367, C replaced by A.
Protein change: p.Pro3456Gln; replaces proline 3456 with glutamine.
Molecular consequence: missense variant.
Genome position (GRCh38, 1-based): chr16:88,437,837, C>A. VCF-style: chr16-88437837-C-A. GRCh37 (hg19) VCF-style: chr16-88504245-C-A.
Other names: short protein forms P3456Q.
Identifiers: ClinVar variation 2846360 (VCV002846360.3), dbSNP rs1906708009, ClinGen allele CA397126752.